The following is an entry in ClinVar:

ClinVar aggregate classification (germline): Uncertain significance. Review status: criteria provided, multiple submitters, no conflicts (2 of 4 stars). 2 submissions from 2 submitters: Uncertain significance (2). Last evaluated 2025-06-27.

Conditions:
Congenital myasthenic syndrome 5. Identifiers: Orphanet 590, MedGen C1864233, MONDO:0011281, OMIM 603034.

Allele frequency attached by ClinVar (database versions not stated): gnomAD exomes 0.00001; TOPMed 0.00009; gnomAD 0.00011; ESP Exome Variant Server 0.00054.
gnomAD v4.1: 26 of 1,614,086 alleles (0.0016%); highest among the groups gnomAD compares: African/African-American, 0.029%; no homozygotes.

Submissions (2):

Labcorp Genetics (formerly Invitae), Labcorp
Classification: Uncertain significance for Congenital myasthenic syndrome 5. Last evaluated: 2025-06-27. Review status: criteria provided, single submitter. Criteria: Invitae Variant Classification Sherloc (09022015). Collection method: clinical testing. Allele origin: germline.
Comment: This sequence change replaces glutamic acid, which is acidic and polar, with aspartic acid, which is acidic and polar, at codon 385 of the COLQ protein (p.Glu385Asp). This variant is present in population databases (rs116503231, gnomAD 0.06%). This variant has not been reported in the literature in individuals affected with COLQ-related conditions. ClinVar contains an entry for this variant (Variation ID: 844821). Invitae Evidence Modeling of protein sequence and biophysical properties (such as structural, functional, and spatial information, amino acid conservation, physicochemical variation, residue mobility, and thermodynamic stability) indicates that this missense variant is not expected to disrupt COLQ protein function with a negative predictive value of 80%. In summary, the available evidence is currently insufficient to determine the role of this variant in disease. Therefore, it has been classified as a Variant of Uncertain Significance.

GeneDx
Classification: Uncertain significance. Last evaluated: 2024-01-07. Review status: criteria provided, single submitter. Criteria: GeneDx Variant Classification Process June 2021. Collection method: clinical testing. Allele origin: germline. Affected: yes.
Comment: In silico analysis supports that this missense variant does not alter protein structure/function; Has not been previously published as pathogenic or benign to our knowledge

NM_005677.4(COLQ):c.1155G>C (p.Glu385Asp)

Gene: COLQ (collagen like tail subunit of asymmetric acetylcholinesterase; minus strand). Cytogenetic location: 3p25.1.
Variant type: single nucleotide variant.
Coding change: c.1155G>C on transcript NM_005677.4 (MANE Select); coding-DNA position 1155, G replaced by C.
Protein change: p.Glu385Asp; replaces glutamic acid 385 with aspartic acid.
Molecular consequence: missense variant.
Genome position (GRCh38, 1-based): chr3:15,455,939, C>G on the plus strand (G>C on the coding strand, the complement: COLQ is on the minus strand). VCF-style: chr3-15455939-C-G. GRCh37 (hg19) VCF-style: chr3-15497446-C-G.
Other names: c.1125G>C, p.Glu375Asp (NM_080538.2); c.1053G>C, p.Glu351Asp (NM_080539.4); short protein forms E375D, E385D, E351D.
Identifiers: ClinVar variation 844821 (VCV000844821.10), dbSNP rs116503231, ClinGen allele CA2275864.